The following is an entry in ClinVar:

ClinVar aggregate classification (germline): Benign/Likely benign. Review status: criteria provided, multiple submitters, no conflicts (2 of 4 stars). 6 submissions from 6 submitters: Benign (5); Likely benign (1). Last evaluated 2026-02-01.

Conditions:
RASopathy. Also called: Noonan spectrum disorder; rasopathies. Identifiers: Orphanet 536391, MedGen C5555857, MONDO:0021060.

Allele frequency attached by ClinVar (database versions not stated): gnomAD exomes 0.00025 and 0.00075; ExAC 0.00096; gnomAD 0.00257 and 0.00273; TOPMed 0.00288; 1000 Genomes Project 0.00339; 1000 Genomes Project 30x 0.00359; ESP Exome Variant Server 0.00384.
gnomAD v4.1: 773 of 1,610,182 alleles (0.048%); highest among the groups gnomAD compares: African/African-American, 0.95%; 2 homozygotes.

Submissions (6):

Labcorp Genetics (formerly Invitae), Labcorp
Classification: Benign for RASopathy. Last evaluated: 2026-02-01. Review status: criteria provided, single submitter. Criteria: Invitae Variant Classification Sherloc (09022015). Collection method: clinical testing. Allele origin: germline.

Blueprint Genetics
Classification: Likely benign. Last evaluated: 2024-10-22. Review status: criteria provided, single submitter. Criteria: ACMG Guidelines, 2015. Collection method: clinical testing. Allele origin: germline.

ARUP Laboratories, Molecular Genetics and Genomics, ARUP Laboratories
Classification: Benign. Last evaluated: 2024-07-29. Review status: criteria provided, single submitter. Criteria: ARUP Molecular Germline Variant Investigation Process 2024. Collection method: clinical testing. Allele origin: germline.

Women's Health and Genetics/Laboratory Corporation of America, LabCorp
Classification: Benign. Last evaluated: 2019-12-24. Review status: criteria provided, single submitter. Criteria: LabCorp Variant Classification Summary - May 2015. Collection method: clinical testing. Allele origin: germline.
Comment: Variant summary: BRAF c.1517+20T>C alters a non-conserved nucleotide located close to a canonical splice site and therefore could affect mRNA splicing, leading to a significantly altered protein sequence. 4/4 computational tools predict no significant impact on normal splicing. However, these predictions have yet to be confirmed by functional studies. The variant allele was found at a frequency of 0.00075 in 250996 control chromosomes, predominantly at a frequency of 0.011 within the African or African-American subpopulation in the gnomAD database, including 1 homozygote. The observed variant frequency within African or African-American control individuals in the gnomAD database is approximately 4400 fold of the estimated maximal expected allele frequency for a pathogenic variant in BRAF causing Noonan Syndrome and Related Conditions phenotype (2.5e-06), strongly suggesting that the variant is a benign polymorphism found primarily in populations of African or African-American origin. To our knowledge, no occurrence of c.1517+20T>C in individuals affected with Noonan Syndrome and Related Conditions and no experimental evidence demonstrating its impact on protein function have been reported. No clinical diagnostic laboratories have submitted clinical-significance assessments for this variant to ClinVar after 2014. Based on the evidence outlined above, the variant was classified as benign.

GeneDx
Classification: Benign. Last evaluated: 2013-09-08. Review status: criteria provided, single submitter. Criteria: GeneDx Variant Classification (06012015). Collection method: clinical testing. Allele origin: germline. Affected: yes.
Comment: This variant is considered likely benign or benign based on one or more of the following criteria: it is a conservative change, it occurs at a poorly conserved position in the protein, it is predicted to be benign by multiple in silico algorithms, and/or has population frequency not consistent with disease.

PreventionGenetics, part of Exact Sciences
Classification: Benign. Review status: criteria provided, single submitter. Criteria: ACMG Guidelines, 2015. Collection method: clinical testing. Allele origin: germline.

Literature cited by the submitters: PubMed 24920063 (cited by Women's Health and Genetics/Laboratory Corporation of America, LabCorp).

NM_004333.6(BRAF):c.1517+20T>C

Gene: BRAF (B-Raf proto-oncogene, serine/threonine kinase; minus strand). Cytogenetic location: 7q34.
Variant type: single nucleotide variant.
Coding change: c.1517+20T>C on transcript NM_004333.6 (MANE Select); 20 bases into the intron after coding-DNA position 1517, T replaced by C.
Molecular consequence: intron variant.
Genome position (GRCh38, 1-based): chr7:140,777,971, A>G on the plus strand (T>C on the coding strand, the complement: BRAF is on the minus strand). VCF-style: chr7-140777971-A-G. GRCh37 (hg19) VCF-style: chr7-140477771-A-G.
Other names: c.1517+20T>C (NM_001378474.1, NM_001378468.1, NM_001354609.2); c.1415+20T>C (NM_001378470.1); c.1253+20T>C (NM_001378475.1); c.1406+20T>C (NM_001378471.1); c.1637+20T>C (NM_001374258.1, NM_001374244.1); c.1526+20T>C (NM_001378467.1); c.1361+20T>C (NM_001378472.1, NM_001378473.1); c.1451+20T>C (NM_001378469.1).
Identifiers: ClinVar variation 136534 (VCV000136534.12), dbSNP rs71645980, ClinGen allele CA289729.